The following is an entry in ClinVar:

NM_014336.5(AIPL1):c.756C>T (p.His252=)

Gene: AIPL1 (AIP like 1 HSP90 co-chaperone; minus strand). Cytogenetic location: 17p13.2.
Variant type: single nucleotide variant.
Coding change: c.756C>T on transcript NM_014336.5 (MANE Select); coding-DNA position 756, C replaced by T.
Protein change: p.His252=; no amino-acid change (histidine 252 retained).
Molecular consequence: synonymous variant.
Genome position (GRCh38, 1-based): chr17:6,426,643, G>A on the plus strand (C>T on the coding strand, the complement: AIPL1 is on the minus strand). VCF-style: chr17-6426643-G-A. GRCh37 (hg19) VCF-style: chr17-6329963-G-A.
Other names: NM_014336.5(AIPL1):c.756C>T; p.His252=; c.567C>T, p.His189= (NM_001033054.3); c.576C>T, p.His192= (NM_001033055.3); c.720C>T, p.His240= (NM_001285399.3); c.690C>T, p.His230= (NM_001285400.3); c.684C>T, p.His228= (NM_001285401.3); c.639C>T, p.His213= (NM_001285402.2); and 1 more.
Identifiers: ClinVar variation 1169533 (VCV001169533.9), dbSNP rs202182152, ClinGen allele CA8328409.
Genomic context (GRCh38, chr17:6,426,643, plus strand): 5'-CCCTCACTGTCCGCCCCTGCAGCCCCGCGCACCTGGGTGGTGCCGGAGAATATCACTGGT[G>A]TGCTCCAGCACCTCATAGTACTCCTCCTTCTTCAGCAGGCACTGGCAGTAGTTGAGGATC-3'
Protein context (NP_055151.3, residues 242-262): KKEEYYEVLE[His252=]TSDILRHHPG

ClinVar aggregate classification (germline): Likely benign. Review status: reviewed by expert panel (3 of 4 stars). 2 submissions from 2 submitters: Likely benign (1). 1 of the submissions does not count toward it. Last evaluated 2025-09-29.

Conditions:
AIPL1-related retinopathy. Also called: AIPL1 retinopathy. Identifiers: MedGen CN305590, MONDO:0100438.
Leber congenital amaurosis 4 (LCA4). Identifiers: MedGen C1858386, MONDO:0011458, OMIM 604393.

Allele frequency attached by ClinVar (database versions not stated): TOPMed 0.00002; ESP Exome Variant Server 0.00008; 1000 Genomes Project 30x 0.00047; gnomAD exomes 0.00054 and 0.00144; 1000 Genomes Project 0.00060; gnomAD 0.00102 and 0.00107; ExAC 0.00109.

Submissions (2):

ClinGen Leber Congenital Amaurosis/early Onset Retinal Dystrophy Variant Curation Expert Panel, ClinGen
Classification: Likely benign for AIPL1-related retinopathy. Last evaluated: 2025-09-29. Review status: reviewed by expert panel. Criteria: ClinGen LCAeoRD ACMG Specifications AIPL1 V1.0.0. Collection method: curation. Allele origin: germline. Inheritance: Autosomal recessive inheritance.
Comment: NM_014336.5(AIPL1):c.756C>T (p.His252=) is a synonymous variant predicted to be a silent nucleotide change in codon 252. This variant is present in gnomAD v.4.1.0 at a Grpmax allele frequency of 0.000027, with 43 alleles / 1180026 total alleles in the non-Finnish European population, which is lower than the ClinGen LCA/eoRD VCEP BS1 threshold of >0.00057 and fails to meet this criterion. This variant is present in gnomAD v.4.1.0 at a total allele frequency of 0.00058, with 938 alleles / 1614156 total alleles, which is higher than the ClinGen LCA/eoRD VCEP PM2_Supporting threshold of <0.0004 and fails to meet this criterion as well. This variant has been found in the homozygous state in 7 adult individuals in gnomAD which exceeds the LCA/eoRD VCEP threshold of ≥6 (gnomAD version 4.1.0; BS2). The splicing impact predictor SpliceAI gives a delta score of 0.10, which is below the ClinGen LCA/eoRD VCEP recommended threshold of ≤0.1 and does not predict an impact on splicing (BP4, BP7). In summary, this variant meets the criteria to be classified as Likely Benign for AIPL1-related retinopathy based on the ACMG/AMP criteria applied, as specified by the ClinGen LCA/eoRD VCEP:BS2, BP4, and BP7. (VCEP specifications version 1.0.0; date of approval 09/24/2025).

Labcorp Genetics (formerly Invitae), Labcorp
Classification: Benign for Leber congenital amaurosis 4. Last evaluated: 2025-05-29. Review status: criteria provided, single submitter. Criteria: Invitae Variant Classification Sherloc (09022015). Collection method: clinical testing. Allele origin: germline. Not counted in ClinVar's aggregate classification.